The following is an entry in ClinVar:

ClinVar aggregate classification (germline): Likely benign (1 of 4 stars; one submission).

Conditions:
Complex cortical dysplasia with other brain malformations 3. Identifiers: MedGen C3809414, MONDO:0014170, OMIM 615411.

gnomAD v4.1: 1 of 1,613,534 alleles (0.000062%); highest among the groups gnomAD compares: South Asian, 0.0011%; no homozygotes.

Submission:

Centre for Medical Genetics,  Mumbai
Classification: Likely benign for Complex cortical dysplasia with other brain malformations 3. Last evaluated: 2026-05-11. Review status: criteria provided, single submitter. Criteria: ACMG Guidelines, 2015. Collection method: provider interpretation. Allele origin: germline. Inheritance: Autosomal dominant inheritance. Affected: no. Observed: 1 variant allele, 1 heterozygote.
Comment: The variant satisfies PM2 criteria - extremely low frequency in gnomAD population databases. The variant satisfies PP2 criteria - missense variant in a gene with low rate of benign missense mutations and for which missense mutation is a common mechanism of a disease. However, the variant satisfies BS2 criteria - present in heterozygous state in an individual that clinically does not have Cortical dysplasia.

Literature cited by the submitters: PubMed 23603762.

NM_001098511.3(KIF2A):c.1211T>C (p.Val404Ala)

Gene: KIF2A (kinesin family member 2A; plus strand). Cytogenetic location: 5q12.1.
Variant type: single nucleotide variant.
Coding change: c.1211T>C on transcript NM_001098511.3 (MANE Select); coding-DNA position 1211, T replaced by C.
Protein change: p.Val404Ala; replaces valine 404 with alanine.
Molecular consequence: missense variant.
Genome position (GRCh38, 1-based): chr5:62,363,269, T>C. VCF-style: chr5-62363269-T-C. GRCh37 (hg19) VCF-style: chr5-61659096-T-C.
Other names: c.1130T>C, p.Val377Ala (NM_001243952.2); c.1154T>C, p.Val385Ala (NM_001243953.2); c.1211T>C, p.Val404Ala (NM_004520.5); short protein forms V377A, V385A, V404A.
Identifiers: ClinVar variation 4852300 (VCV004852300.1).